The following is an entry in ClinVar:

NM_001080442.3(SLC38A8):c.806-2A>G

Gene: SLC38A8 (solute carrier family 38 member 8; minus strand). Cytogenetic location: 16q23.3.
Variant type: single nucleotide variant.
Coding change: c.806-2A>G on transcript NM_001080442.3 (MANE Select); the canonical splice acceptor site of the intron before coding-DNA position 806, A replaced by G.
Molecular consequence: splice acceptor variant.
Genome position (GRCh38, 1-based): chr16:84,017,289, T>C on the plus strand (A>G on the coding strand, the complement: SLC38A8 is on the minus strand). VCF-style: chr16-84017289-T-C. GRCh37 (hg19) VCF-style: chr16-84050894-T-C.
Identifiers: ClinVar variation 2835421 (VCV002835421.3), dbSNP rs374872713, ClinGen allele CA8199964.

ClinVar aggregate classification (germline): Likely pathogenic (1 of 4 stars; one submission).

Allele frequency attached by ClinVar (database versions not stated): TOPMed below 0.00001; ExAC 0.00001; gnomAD 0.00001; ESP Exome Variant Server 0.00008.
gnomAD v4.1: 1 of 1,613,806 alleles (0.000062%); highest among the groups gnomAD compares: African/African-American, 0.0013%; no homozygotes.

Submission:

Labcorp Genetics (formerly Invitae), Labcorp
Classification: Likely pathogenic. Last evaluated: 2023-07-16. Review status: criteria provided, single submitter. Criteria: Invitae Variant Classification Sherloc (09022015). Collection method: clinical testing. Allele origin: germline.
Comment: In summary, the currently available evidence indicates that the variant is pathogenic, but additional data are needed to prove that conclusively. Therefore, this variant has been classified as Likely Pathogenic. Algorithms developed to predict the effect of sequence changes on RNA splicing suggest that this variant may disrupt the consensus splice site. This variant has not been reported in the literature in individuals affected with SLC38A8-related conditions. This variant is present in population databases (rs374872713, gnomAD 0.007%). This sequence change affects an acceptor splice site in intron 6 of the SLC38A8 gene. It is expected to disrupt RNA splicing. Variants that disrupt the donor or acceptor splice site typically lead to a loss of protein function (PMID: 16199547), and loss-of-function variants in SLC38A8 are known to be pathogenic (PMID: 24290379).

Literature cited by the submitters: PubMed 16199547; PubMed 24290379.